The following is an entry in ClinVar:

ClinVar aggregate classification (germline): Uncertain significance (1 of 4 stars; one submission).

Conditions:
Familial cancer of breast. Also called: BREAST CANCER, FAMILIAL; Hereditary breast cancer; hereditary breast carcinoma. Identifiers: Orphanet 227535, MedGen C0346153, MONDO:0016419, OMIM 114480. Disease mechanism: loss of function.

Submission:

Labcorp Genetics (formerly Invitae), Labcorp
Classification: Uncertain significance for Familial cancer of breast. Last evaluated: 2025-10-23. Review status: criteria provided, single submitter. Criteria: Invitae Variant Classification Sherloc (09022015). Collection method: clinical testing. Allele origin: germline.
Comment: This sequence change falls in intron 7 of the PALB2 gene. It does not directly change the encoded amino acid sequence of the PALB2 protein. It affects a nucleotide within the consensus splice site. This variant is not present in population databases (gnomAD no frequency). This variant has not been reported in the literature in individuals affected with PALB2-related conditions. Variants that disrupt the consensus splice site are a relatively common cause of aberrant splicing (PMID: 17576681, 9536098). Algorithms developed to predict the effect of sequence changes on RNA splicing suggest that this variant may disrupt the consensus splice site. In summary, the available evidence is currently insufficient to determine the role of this variant in disease. Therefore, it has been classified as a Variant of Uncertain Significance.

Literature cited by the submitters: PubMed 17576681; PubMed 9536098.

NM_024675.4(PALB2):c.2748+4A>G

Gene: PALB2 (partner and localizer of BRCA2; minus strand). Cytogenetic location: 16p12.2.
Variant type: single nucleotide variant.
Coding change: c.2748+4A>G on transcript NM_024675.4 (MANE Select); 4 bases into the intron after coding-DNA position 2748, A replaced by G.
Molecular consequence: intron variant.
Genome position (GRCh38, 1-based): chr16:23,626,232, T>C on the plus strand (A>G on the coding strand, the complement: PALB2 is on the minus strand). VCF-style: chr16-23626232-T-C. GRCh37 (hg19) VCF-style: chr16-23637553-T-C.
Other names: c.1863+4A>G (NM_001407308.1, NM_001407306.1, NM_001407309.1 and 4 more transcripts); c.282+4A>G (NM_001407314.1); c.960+4A>G (NM_001407313.1, NM_001407312.1); c.2688+4A>G (NM_001407296.1); c.2676+4A>G (NM_001407297.1); c.2587-2138A>G (NM_001407302.1, NM_001407298.1); c.2748+4A>G (NM_001407300.1, NM_001407299.1, NM_001407301.1); c.1702-2138A>G (NM_001407307.1).
Identifiers: ClinVar variation 4807085 (VCV004807085.1).
Genomic context (GRCh38, chr16:23,626,232, plus strand): 5'-TGCCCATCTACATTATCAGGCAAATGGCTGCAAAGATCTCTTTCAGCTCGAGATTCCCAC[T>C]TACCTCTGCGAAGTGCCAGGTATAAAGTTTTTCCCACTGCCAAGCATCCAGAGCTTTCCA-3'